The following is an entry in ClinVar:

ClinVar aggregate classification (germline): Uncertain significance (1 of 4 stars; one submission).

Allele frequency attached by ClinVar (database versions not stated): gnomAD 0.00001; gnomAD exomes 0.00001; ExAC 0.00002; 1000 Genomes Project 30x 0.00016; 1000 Genomes Project 0.00020.
gnomAD v4.1: 8 of 1,613,952 alleles (0.0005%); highest among the groups gnomAD compares: East Asian, 0.0045%; no homozygotes.

Submission:

Labcorp Genetics (formerly Invitae), Labcorp
Classification: Uncertain significance. Last evaluated: 2022-06-09. Review status: criteria provided, single submitter. Criteria: Invitae Variant Classification Sherloc (09022015). Collection method: clinical testing. Allele origin: germline.
Comment: This sequence change replaces threonine, which is neutral and polar, with methionine, which is neutral and non-polar, at codon 429 of the TUBB3 protein (p.Thr429Met). In summary, the available evidence is currently insufficient to determine the role of this variant in disease. Therefore, it has been classified as a Variant of Uncertain Significance. Algorithms developed to predict the effect of missense changes on protein structure and function are either unavailable or do not agree on the potential impact of this missense change (SIFT: "Deleterious"; PolyPhen-2: "Not Available"; Align-GVGD: "Class C65"). This variant has not been reported in the literature in individuals affected with TUBB3-related conditions. This variant is present in population databases (rs200882568, gnomAD 0.002%).

NM_006086.4(TUBB3):c.1286C>T (p.Thr429Met)

Gene: TUBB3 (tubulin beta 3 class III; plus strand). Cytogenetic location: 16q24.3.
Variant type: single nucleotide variant.
Coding change: c.1286C>T on transcript NM_006086.4 (MANE Select); coding-DNA position 1286, C replaced by T.
Protein change: p.Thr429Met; replaces threonine 429 with methionine.
Molecular consequence: missense variant.
Genome position (GRCh38, 1-based): chr16:89,935,737, C>T. VCF-style: chr16-89935737-C-T. GRCh37 (hg19) VCF-style: chr16-90002145-C-T.
Other names: c.1070C>T, p.Thr357Met (NM_001197181.2); short protein forms T429M, T357M.
Identifiers: ClinVar variation 2125506 (VCV002125506.4), dbSNP rs200882568, ClinGen allele CA8256233.